The following is an entry in ClinVar:

ClinVar aggregate classification (germline): Likely pathogenic. Review status: criteria provided, multiple submitters, no conflicts (2 of 4 stars). 3 submissions from 3 submitters: Likely pathogenic (3). Last evaluated 2026-05-12.

Conditions:
Congenital microcephaly - severe encephalopathy - progressive cerebral atrophy syndrome. Also called: ASNS DEFICIENCY; Asparagine synthetase deficiency. Identifiers: Orphanet 391376, MedGen C3809971, MONDO:0014258, OMIM 615574.

Allele frequency attached by ClinVar (database versions not stated): ExAC 0.00001; TOPMed 0.00001; ESP Exome Variant Server 0.00008.

Submissions (3):

Myriad Genetics, Inc.
Classification: Likely pathogenic for Congenital microcephaly - severe encephalopathy - progressive cerebral atrophy syndrome. Last evaluated: 2026-05-12. Review status: criteria provided, single submitter. Criteria: Myriad Autosomal Dominant, Autosomal Recessive and X-Linked Classification Criteria (2023). Collection method: clinical testing. Allele origin: unknown.
Comment: NM_001673.4(ASNS):c.904-3_904-1delAAG is a variant in a canonical splice site classified as likely pathogenic in the context of asparagine synthetase deficiency. c.904-3_904-1delAAG has not been observed in cases with relevant disease. Relevant functional assessments of this variant are not available in the literature. c.904-3_904-1delAAG has been observed in referenced population frequency databases. In summary, NM_001673.4(ASNS):c.904-3_904-1delAAG is a variant in a canonical splice site in a gene where loss of function is a known mechanism of disease and is predicted to disrupt protein function. Please note: this variant was assessed in the context of healthy population screening.

Natera, Inc.
Classification: Likely pathogenic for Asparagine synthetase deficiency. Last evaluated: 2025-11-25. Review status: criteria provided, single submitter. Criteria: Natera Variant Classification Schema (03/2026). Collection method: clinical testing. Allele origin: germline.
Comment: The c.904-3_904-1del variant in ASNS is a canonical splice acceptor site. This variant is expected to result in nonsense mediated decay, truncation, or a dysfunctional protein product. This variant is rare in the general population with a frequency below the threshold expected for the associated phenotype(s). Given the available evidence, this variant is classified as Likely Pathogenic.

Labcorp Genetics (formerly Invitae), Labcorp
Classification: Likely pathogenic. Last evaluated: 2025-09-10. Review status: criteria provided, single submitter. Criteria: Invitae Variant Classification Sherloc (09022015). Collection method: clinical testing. Allele origin: germline.
Comment: This sequence change affects a splice site in intron 7 of the ASNS gene. It is expected to disrupt RNA splicing. Variants that disrupt the donor or acceptor splice site typically lead to a loss of protein function (PMID: 16199547), and loss-of-function variants in ASNS are known to be pathogenic (PMID: 27422383, 30057589). This variant is present in population databases (rs755705038, gnomAD 0.007%). This variant has not been reported in the literature in individuals affected with ASNS-related conditions. ClinVar contains an entry for this variant (Variation ID: 1945476). Algorithms developed to predict the effect of sequence changes on RNA splicing suggest that this variant may disrupt the consensus splice site. In summary, the currently available evidence indicates that the variant is pathogenic, but additional data are needed to prove that conclusively. Therefore, this variant has been classified as Likely Pathogenic.

Literature cited by the submitters: PubMed 16199547 (cited by Labcorp Genetics (formerly Invitae), Labcorp); PubMed 27422383 (cited by Labcorp Genetics (formerly Invitae), Labcorp); PubMed 30057589 (cited by Labcorp Genetics (formerly Invitae), Labcorp).

NM_001673.5(ASNS):c.904-3_904-1del

Genes: ASNS (asparagine synthetase (glutamine-hydrolyzing); minus strand), CZ1P-ASNS (CZ1P-ASNS readthrough; minus strand). Cytogenetic location: 7q21.3.
Variant type: Deletion.
Coding change: c.904-3_904-1del on transcript NM_001673.5 (MANE Select); 3 bases into the intron before coding-DNA position 904 through the canonical splice acceptor site of the intron before coding-DNA position 904, 3 bases deleted (AAG; older notation c.904-3_904-1delAAG).
Molecular consequence: splice acceptor variant.
Genome position (GRCh38, 1-based): chr7:97,856,817-97,856,819, CTT deleted on the plus strand (AAG on the coding strand, the reverse complement: ASNS is on the minus strand). VCF-style (leftmost placement, unchanged base first): chr7-97856816-CCTT-C. GRCh37 (hg19) VCF-style: chr7-97486128-CCTT-C.
Other names: c.904-3_904-1del (NM_001352496.2, NM_183356.4, NM_133436.3); c.655-3_655-1del (NM_001178076.2, NM_001178077.1); c.841-3_841-1del (NM_001178075.2).
Identifiers: ClinVar variation 1945476 (VCV001945476.7), dbSNP rs755705038, ClinGen allele CA4354643.
Genomic context (GRCh38, chr7:97,856,816, plus strand): 5'-GAATGCCTTCCTCAGAGTTAAAAAGGACTTCATAATGTTCACTTCCAATATGATCTGCCA[CCTT>C]ATTATATAAAGAAATACCCATTTACTTGTTAAAGAAAATAACTTCCCTTGAAAATCAAAC-3'